The following is an entry in ClinVar:

ClinVar aggregate classification (germline): Likely pathogenic (1 of 4 stars; one submission).

Conditions:
Migraine, familial hemiplegic, 3. Identifiers: Orphanet 569, MedGen C1864987, MONDO:0012320, OMIM 609634.

Submission:

Centre for Mendelian Genomics, University Medical Centre Ljubljana
Classification: Likely pathogenic for Migraine, familial hemiplegic, 3. Last evaluated: 2016-01-01. Review status: criteria provided, single submitter. Criteria: ACMG Guidelines, 2015. Collection method: clinical testing. Allele origin: unknown. Affected: yes.
Comment: This variant was classified as: Likely pathogenic. The following ACMG criteria were applied in classifying this variant: PM2,PM6,PP2,PP3.

NM_001165963.4(SCN1A):c.4019T>C (p.Leu1340Pro)

Genes: SCN1A (sodium voltage-gated channel alpha subunit 1; minus strand), LOC102724058 (uncharacterized LOC102724058; plus strand). Cytogenetic location: 2q24.3.
Variant type: single nucleotide variant.
Coding change: c.4019T>C on transcript NM_001165963.4 (MANE Select); coding-DNA position 4019, T replaced by C.
Protein change: p.Leu1340Pro; replaces leucine 1340 with proline.
Molecular consequence: missense variant. On other transcripts: non-coding transcript variant (1).
Genome position (GRCh38, 1-based): chr2:166,002,737, A>G on the plus strand (T>C on the coding strand, the complement: SCN1A is on the minus strand). VCF-style: chr2-166002737-A-G. GRCh37 (hg19) VCF-style: chr2-166859247-A-G.
Other names: c.3935T>C, p.Leu1312Pro (NM_001165964.3, NM_001353957.2, NM_001353958.2); c.4019T>C, p.Leu1340Pro (NM_001202435.3, NM_001353948.2); c.3986T>C, p.Leu1329Pro (NM_001353949.2, NM_001353950.2, NM_001353951.2 and 2 more transcripts); c.3983T>C, p.Leu1328Pro (NM_001353954.2, NM_001353955.2); c.3932T>C, p.Leu1311Pro (NM_001353960.2); c.1577T>C, p.Leu526Pro (NM_001353961.2); short protein forms L1328P, L1312P, L1329P, L1340P, L1311P, L526P.
Identifiers: ClinVar variation 931957 (VCV000931957.3), dbSNP rs1691091949, ClinGen allele CA349050825.